The following is an entry in ClinVar:

ClinVar aggregate classification (germline): Uncertain significance (1 of 4 stars; one submission).

Conditions:
Ehlers-Danlos syndrome, classic type, 1 (EDSCL1). Also called: EHLERS-DANLOS SYNDROME, GRAVIS TYPE; EHLERS-DANLOS SYNDROME, SEVERE CLASSIC TYPE; Ehlers-Danlos syndrome, type 1; Ehlers-Danlos Syndrome, Classic Type, COL5A1-Related; EDS I. Identifiers: MedGen C0268335, MONDO:0019567, OMIM 130000.

Submission:

Labcorp Genetics (formerly Invitae), Labcorp
Classification: Uncertain significance for Ehlers-Danlos syndrome, classic type, 1. Last evaluated: 2025-05-11. Review status: criteria provided, single submitter. Criteria: Invitae Variant Classification Sherloc (09022015). Collection method: clinical testing. Allele origin: germline.
Comment: This variant, c.3682_3684del, results in the deletion of 1 amino acid(s) of the COL5A1 protein (p.Gly1228del), but otherwise preserves the integrity of the reading frame. This variant is not present in population databases (gnomAD no frequency). This variant has not been reported in the literature in individuals affected with COL5A1-related conditions. This variant disrupts the triple helix domain of COL5A1. Glycine residues within the Gly-Xaa-Yaa repeats of the triple helix domain are required for the structure and stability of fibrillar collagens (PMID: 7695699, 8218237, 19344236), and variants at these glycine residues in COL5A1 are more frequently observed in individuals with disease than in the general population (PMID: 22696272, 23587214). However, the clinical significance of this observation remains uncertain since only a limited number of affected individuals have been described to date. In summary, the available evidence is currently insufficient to determine the role of this variant in disease. Therefore, it has been classified as a Variant of Uncertain Significance.

Literature cited by the submitters: PubMed 7695699; PubMed 8218237; PubMed 19344236; PubMed 22696272; PubMed 23587214.

NM_000093.5(COL5A1):c.3682_3684del (p.Gly1228del)

Gene: COL5A1 (collagen type V alpha 1 chain; plus strand). Cytogenetic location: 9q34.3.
Variant type: Deletion.
Coding change: c.3682_3684del on transcript NM_000093.5 (MANE Select); coding-DNA positions 3682 to 3684, 3 bases deleted (GGG; older notation c.3682_3684delGGG).
Protein change: p.Gly1228del; deletes glycine 1228.
Molecular consequence: inframe deletion.
Genome position (GRCh38, 1-based): chr9:134,811,591-134,811,593, GGG deleted; deleting any 3 consecutive bases within chr9:134,811,590-134,811,593 gives the same sequence; the c. name uses the placement nearest the transcript's 3' end. VCF-style (leftmost placement, unchanged base first): chr9-134811589-TGGG-T. GRCh37 (hg19) VCF-style: chr9-137703435-TGGG-T.
Other names: c.3682_3684del, p.Gly1228del (NM_001278074.1); short protein forms G1228del.
Identifiers: ClinVar variation 4717821 (VCV004717821.1).